The following is an entry in ClinVar:

ClinVar aggregate classification (germline): Uncertain significance (1 of 4 stars; one submission).

Allele frequency attached by ClinVar (database versions not stated): gnomAD exomes below 0.00001.
gnomAD v4.1: 2 of 1,614,106 alleles (0.00012%); highest among the groups gnomAD compares: Non-Finnish European, 0.00017%; no homozygotes.

Submission:

Ambry Genetics
Classification: Uncertain significance. Last evaluated: 2022-10-08. Review status: criteria provided, single submitter. Criteria: Ambry Variant Classification Scheme 2023. Collection method: clinical testing. Allele origin: germline.
Comment: The p.G73R variant (also known as c.217G>C), located in coding exon 2 of the BUB3 gene, results from a G to C substitution at nucleotide position 217. The glycine at codon 73 is replaced by arginine, an amino acid with dissimilar properties. This amino acid position is conserved. In addition, this alteration is predicted to be deleterious by in silico analysis. Since supporting evidence is limited at this time, the clinical significance of this alteration remains unclear.

NM_004725.4(BUB3):c.217G>C (p.Gly73Arg)

Gene: BUB3 (BUB3 mitotic checkpoint protein; plus strand). Cytogenetic location: 10q26.13.
Variant type: single nucleotide variant.
Coding change: c.217G>C on transcript NM_004725.4 (MANE Select); coding-DNA position 217, G replaced by C.
Protein change: p.Gly73Arg; replaces glycine 73 with arginine.
Molecular consequence: missense variant.
Genome position (GRCh38, 1-based): chr10:123,155,679, G>C. VCF-style: chr10-123155679-G-C. GRCh37 (hg19) VCF-style: chr10-124915195-G-C.
Other names: c.217G>C, p.Gly73Arg (NM_001007793.3); short protein forms G73R.
Identifiers: ClinVar variation 1787249 (VCV001787249.2), dbSNP rs1389336863, ClinGen allele CA378625199.